The following is an entry in ClinVar:

ClinVar aggregate classification (germline): Conflicting classifications of pathogenicity. Review status: criteria provided, conflicting classifications (1 of 4 stars). 14 submissions from 14 submitters: Uncertain significance (2); Benign (2); Likely benign (6). 4 of the submissions do not count toward it. Last evaluated 2026-02-02.

Conditions:
Hereditary nonpolyposis colorectal neoplasms. Identifiers: MedGen C0009405, MeSH D003123.
MSH6-related disorder. Also called: MSH6-related condition; MSH6-Related disorders.
Hereditary cancer-predisposing syndrome. Also called: Hereditary neoplastic syndrome; Neoplastic Syndromes, Hereditary; Hereditary Cancer Syndrome; Tumor predisposition. Identifiers: Orphanet 140162, MedGen C0027672, MeSH D009386, MONDO:0015356.
Lynch syndrome. Identifiers: Orphanet 144, MedGen C4552100, MONDO:0005835. Disease mechanism: loss of function.
Lynch syndrome 5 (LYNCH5). Also called: Colorectal cancer, hereditary nonpolyposis, type 5; Hereditary non-polyposis colorectal cancer, type 5. Identifiers: Orphanet 144, MedGen C1833477, MONDO:0013710, OMIM 614350. Disease mechanism: loss of function.

Allele frequency attached by ClinVar (database versions not stated): 1000 Genomes Project 30x 0.00016; 1000 Genomes Project 0.00020; TOPMed 0.00029; ESP Exome Variant Server 0.00031; ExAC 0.00008; gnomAD 0.00031 and 0.00033.
gnomAD v4.1: 94 of 1,614,162 alleles (0.0058%); highest among the groups gnomAD compares: African/African-American, 0.11%; no homozygotes.

Submissions (14):

Labcorp Genetics (formerly Invitae), Labcorp
Classification: Likely benign for Hereditary nonpolyposis colorectal neoplasms. Last evaluated: 2026-02-02. Review status: criteria provided, single submitter. Criteria: Invitae Variant Classification Sherloc (09022015). Collection method: clinical testing. Allele origin: germline.

Women's Health and Genetics/Laboratory Corporation of America, LabCorp
Classification: Likely benign. Last evaluated: 2026-02-02. Review status: criteria provided, single submitter. Criteria: LabCorp Variant Classification Summary - May 2015. Collection method: clinical testing. Allele origin: germline.
Comment: Variant summary: MSH6 c.1867C>G (p.Pro623Ala) results in a non-conservative amino acid change located in the DNA mismatch repair protein MutS, connector domain of the encoded protein sequence. Algorithms developed to predict the effect of missense changes on protein structure and function are either unavailable or do not agree on the potential impact of this missense change. The variant allele was found at a frequency of 9.2e-05 in 250462 control chromosomes, predominantly at a frequency of 0.0014 within the African or African-American subpopulation in the gnomAD database. The observed variant frequency within African or African-American control individuals in the gnomAD database exceeds the estimated maximal expected allele frequency for disease-causing variants in MSH6. c.1867C>G has been observed in individuals affected with Cancers with limited clinical information and without clear evidence of causality (Zhang_2015, Li_2020). These reports do not provide unequivocal conclusions about association of the variant with Hereditary Nonpolyposis Colorectal Cancer. At least one publication reports experimental evidence evaluating an impact on protein function and shows no damaging effect of this variant on protein function in an oligonucleotide-directed mutagenesis screening assay measuring 6TG resistance in MMR-deficient cells (Houlleberghs_2017). The following publications have been ascertained in the context of this evaluation (PMID: 22290698, 24728327, 28531214, 22703879, 31391288, 26333163, 23621914, 22949387, 26580448). ClinVar contains an entry for this variant (Variation ID: 41590). Based on the evidence outlined above, the variant was classified as likely benign.

Institute for Biomarker Research, Medical Diagnostic Laboratories, L.L.C.
Classification: Benign for Hereditary cancer-predisposing syndrome. Last evaluated: 2025-01-03. Review status: criteria provided, single submitter. Criteria: ACMG Guidelines, 2015. Collection method: clinical testing. Allele origin: germline.
Comment: The missense variant NM_000179.3(MSH6):c.1867C>G (p.Pro623Ala) has not been reported previously as a pathogenic variant, to our knowledge. The p.Pro623Ala variant is observed in 22/15,756 (0.1396%) alleles from individuals of gnomAD African background in gnomAD, which is greater than expected for the disorder. There is a small physicochemical difference between proline and alanine, which is not likely to impact secondary protein structure as these residues share similar properties. For these reasons, this variant has been classified as Benign

Color Diagnostics, LLC DBA Color Health
Classification: Benign for Hereditary cancer-predisposing syndrome. Last evaluated: 2024-10-02. Review status: criteria provided, single submitter. Criteria: ACMG Guidelines, 2015. Collection method: clinical testing. Allele origin: germline.

Quest Diagnostics Nichols Institute San Juan Capistrano
Classification: Likely benign. Last evaluated: 2023-06-06. Review status: criteria provided, single submitter. Criteria: Quest Diagnostics criteria. Collection method: clinical testing. Allele origin: unknown.

Sema4
Classification: Likely benign for Hereditary cancer-predisposing syndrome. Last evaluated: 2021-01-28. Review status: criteria provided, single submitter. Criteria: Sema4 Curation Guidelines. Collection method: curation. Allele origin: germline.

Baylor Genetics
Classification: Uncertain significance for Lynch syndrome 5. Last evaluated: 2020-10-15. Review status: criteria provided, single submitter. Criteria: ACMG Guidelines, 2015. Collection method: clinical testing. Allele origin: paternal. Affected: yes. Study: CSER-TexasKidsCanSeq.
Comment: This variant was determined to be of uncertain significance according to ACMG Guidelines, 2015 [PMID:25741868].

GeneDx
Classification: Likely benign. Last evaluated: 2020-10-14. Review status: criteria provided, single submitter. Criteria: GeneDx Variant Classification Process June 2021. Collection method: clinical testing. Allele origin: germline. Affected: yes.
Comment: This variant is associated with the following publications: (PMID: 26333163, 24728327, 22703879, 22949387, 17417778, 22290698, 23621914, 28531214, 21153778, 26580448, 24393486)

Ambry Genetics
Classification: Likely benign for Hereditary cancer-predisposing syndrome. Last evaluated: 2018-07-03. Review status: criteria provided, single submitter. Criteria: Ambry Variant Classification Scheme 2023. Collection method: clinical testing. Allele origin: germline.

Genomic Diagnostic Laboratory, Division of Genomic Diagnostics, Children's Hospital of Philadelphia
Classification: Uncertain significance for Lynch syndrome. Last evaluated: 2015-10-30. Review status: criteria provided, single submitter. Criteria: DGD Variant Analysis Guidelines. Collection method: clinical testing. Allele origin: unknown.

PreventionGenetics, part of Exact Sciences
Classification: Likely benign for MSH6-related condition. Last evaluated: 2023-07-07. Review status: no assertion criteria provided. Collection method: clinical testing. Allele origin: germline. Not counted in ClinVar's aggregate classification.
Comment: This variant is classified as likely benign based on ACMG/AMP sequence variant interpretation guidelines (Richards et al. 2015 PMID: 25741868, with internal and published modifications).

Counsyl
Classification: Uncertain significance for Lynch syndrome 5. Last evaluated: 2017-02-15. Review status: no assertion criteria provided. Collection method: clinical testing. Allele origin: unknown. Not counted in ClinVar's aggregate classification.

ITMI
No classification provided. Condition: AllHighlyPenetrant. Last evaluated: 2013-09-19. Review status: no classification provided. Collection method: reference population. Allele origin: germline. Not counted in ClinVar's aggregate classification.
Comment: Please see associated publication for description of ethnicities

Biesecker Lab/Clinical Genomics Section, National Institutes of Health
Classification: Uncertain significance. Last evaluated: 2012-07-13. Review status: no assertion criteria provided. Collection method: research. Allele origin: germline. Affected: no. Observed: 1 variant allele. Study: ClinSeq. Not counted in ClinVar's aggregate classification.
ClinVar note: Converted during submission from variant of unknown significance to Uncertain significance.

Literature cited by the submitters: PubMed 22290698 (cited by Women's Health and Genetics/Laboratory Corporation of America, LabCorp and Quest Diagnostics Nichols Institute San Juan Capistrano); PubMed 22949387 (cited by 3 submitters); PubMed 23621914 (cited by Women's Health and Genetics/Laboratory Corporation of America, LabCorp and Quest Diagnostics Nichols Institute San Juan Capistrano); PubMed 24728327 (cited by 4 submitters); PubMed 26333163 (cited by Women's Health and Genetics/Laboratory Corporation of America, LabCorp and Quest Diagnostics Nichols Institute San Juan Capistrano); PubMed 28531214 (cited by 3 submitters); PubMed 26580448 (cited by 3 submitters); PubMed 31391288 (cited by Women's Health and Genetics/Laboratory Corporation of America, LabCorp and Quest Diagnostics Nichols Institute San Juan Capistrano); PubMed 21153778 (cited by Quest Diagnostics Nichols Institute San Juan Capistrano); PubMed 24393486 (cited by Counsyl).

NM_000179.3(MSH6):c.1867C>G (p.Pro623Ala)

Gene: MSH6 (mutS homolog 6; plus strand). Cytogenetic location: 2p16.3.
Variant type: single nucleotide variant.
Coding change: c.1867C>G on transcript NM_000179.3 (MANE Select); coding-DNA position 1867, C replaced by G.
Protein change: p.Pro623Ala; replaces proline 623 with alanine.
Molecular consequence: missense variant.
Genome position (GRCh38, 1-based): chr2:47,799,850, C>G. VCF-style: chr2-47799850-C-G. GRCh37 (hg19) VCF-style: chr2-48026989-C-G.
Other names: c.1477C>G, p.Pro493Ala (NM_001281492.2); c.961C>G, p.Pro321Ala (NM_001281493.2, NM_001281494.2); short protein forms P623A, P493A, P321A.
Identifiers: ClinVar variation 41590 (VCV000041590.40), dbSNP rs3136334, ClinGen allele CA009344.